The following is an entry in ClinVar:

ClinVar aggregate classification (germline): Likely pathogenic (1 of 4 stars; one submission).

Conditions:
Ehlers-Danlos syndrome, type 4 (EDSVASC). Also called: Ehlers-Danlos syndrome vascular type; Ehlers Danlos syndrome, ecchymotic type; Ehlers Danlos syndrome, arterial type; Ehlers Danlos syndrome, Sack-Barabas type; Ehlers-Danlos Syndrome Type IV. Identifiers: Orphanet 286, MedGen C0268338, MONDO:0017314, OMIM 130050.

Submission:

Labcorp Genetics (formerly Invitae), Labcorp
Classification: Likely pathogenic for Ehlers-Danlos syndrome, type 4. Last evaluated: 2022-11-16. Review status: criteria provided, single submitter. Criteria: Invitae Variant Classification Sherloc (09022015). Collection method: clinical testing. Allele origin: germline.
Comment: Advanced modeling of protein sequence and biophysical properties (such as structural, functional, and spatial information, amino acid conservation, physicochemical variation, residue mobility, and thermodynamic stability) performed at Invitae indicates that this missense variant is expected to disrupt COL3A1 protein function. This variant disrupts the triple helix domain of COL3A1. Glycine residues within the Gly-Xaa-Yaa repeats of the triple helix domain are required for the structure and stability of fibrillar collagens (PMID: 7695699, 8218237, 19344236). In COL3A1, variants that affect these glycine residues are significantly enriched in individuals with disease (PMID: 24922459, 25758994) compared to the general population (ExAC). This variant disrupts the p.Gly717 amino acid residue in COL3A1. Other variant(s) that disrupt this residue have been observed in individuals with COL3A1-related conditions (PMID: 24932165), which suggests that this may be a clinically significant amino acid residue. In summary, the currently available evidence indicates that the variant is pathogenic, but additional data are needed to prove that conclusively. Therefore, this variant has been classified as Likely Pathogenic. This sequence change replaces glycine, which is neutral and non-polar, with arginine, which is basic and polar, at codon 717 of the COL3A1 protein (p.Gly717Arg). This variant is not present in population databases (gnomAD no frequency). This missense change has been observed in individual(s) with clinical features of COL3A1-related conditions (Invitae).

Literature cited by the submitters: PubMed 7695699; PubMed 8218237; PubMed 19344236; PubMed 24922459; PubMed 25758994; PubMed 24932165.

NM_000090.4(COL3A1):c.2149G>C (p.Gly717Arg)

Gene: COL3A1 (collagen type III alpha 1 chain; plus strand). Cytogenetic location: 2q32.2.
Variant type: single nucleotide variant.
Coding change: c.2149G>C on transcript NM_000090.4 (MANE Select); coding-DNA position 2149, G replaced by C.
Protein change: p.Gly717Arg; replaces glycine 717 with arginine.
Molecular consequence: missense variant.
Genome position (GRCh38, 1-based): chr2:188,999,497, G>C. VCF-style: chr2-188999497-G-C. GRCh37 (hg19) VCF-style: chr2-189864223-G-C.
Other names: short protein forms G717R.
Identifiers: ClinVar variation 2036633 (VCV002036633.4), dbSNP rs1360092016, ClinGen allele CA349840603.